The following is an entry in ClinVar:

ClinVar aggregate classification (germline): Pathogenic. Review status: reviewed by expert panel (3 of 4 stars). 2 submissions from 2 submitters: Pathogenic (1). 1 of the submissions does not count toward it. Last evaluated 2016-10-18.

Conditions:
Breast-ovarian cancer, familial, susceptibility to, 2 (BROVCA2). Also called: BRCA2 Hereditary Breast and Ovarian Cancer. Identifiers: Orphanet 145, MedGen C2675520, MONDO:0012933, OMIM 612555. Disease mechanism: loss of function.

Submissions (2):

Evidence-based Network for the Interpretation of Germline Mutant Alleles (ENIGMA)
Classification: Pathogenic for Breast-ovarian cancer, familial, susceptibility to, 2. Last evaluated: 2016-10-18. Review status: reviewed by expert panel. Criteria: ENIGMA BRCA1/2 Classification Criteria (2015). Collection method: curation. Allele origin: germline.
Comment: Variant allele predicted to encode a truncated non-functional protein.

Consortium of Investigators of Modifiers of BRCA1/2 (CIMBA), c/o University of Cambridge
Classification: Pathogenic for Breast-ovarian cancer, familial, susceptibility to, 2. Last evaluated: 2015-10-02. Review status: criteria provided, single submitter. Criteria: CIMBA Mutation Classification guidelines May 2016. Collection method: clinical testing. Allele origin: germline. Not counted in ClinVar's aggregate classification.

NM_000059.4(BRCA2):c.4285_4286insT (p.Gln1429fs)

Gene: BRCA2 (BRCA2 DNA repair associated; plus strand). Cytogenetic location: 13q13.1.
Variant type: Insertion.
Coding change: c.4285_4286insT on transcript NM_000059.4 (MANE Select); coding-DNA positions 4285 to 4286, T inserted.
Protein change: p.Gln1429fs; shifts the reading frame from glutamine 1429.
Molecular consequence: frameshift variant.
Genome position: GRCh38 VCF-style: chr13-32338640-C-CT. GRCh37 (hg19) VCF-style: chr13-32912777-C-CT.
Other names: 4513insT; short protein forms Q1429fs.
Identifiers: ClinVar variation 266799 (VCV000266799.7), dbSNP rs886040518, ClinGen allele CA10589249.